The following is an entry in ClinVar:

NM_178859.4(SLC51B):c.178C>G (p.Gln60Glu)

Genes: RASL12 (RAS like family 12; minus strand), SLC51B (SLC51 subunit beta; plus strand). Cytogenetic location: 15q22.31.
Variant type: single nucleotide variant.
Coding change: c.178C>G on transcript NM_178859.4 (MANE Select); coding-DNA position 178, C replaced by G.
Protein change: p.Gln60Glu; replaces glutamine 60 with glutamic acid.
Molecular consequence: missense variant.
Genome position (GRCh38, 1-based): chr15:65,051,595, C>G. VCF-style: chr15-65051595-C-G. GRCh37 (hg19) VCF-style: chr15-65343933-C-G.
Other names: short protein forms Q60E.
Identifiers: ClinVar variation 2884797 (VCV002884797.3), dbSNP rs372394370, ClinGen allele CA7613482.
Genomic context (GRCh38, chr15:65,051,595, plus strand): 5'-ATCCTTGCCCTGGCAGCTGTGGTGGTCATTATAAGCATGGTCCTCCTGGGAAGAAGCATC[C>G]AGGCAAGCAGGTGAGGAGCTGGTCCTGGGGGGATGGGGTGGTCTCTGTGGGGTAGAGGCC-3'
Protein context (NP_849190.2, residues 50-70): ISMVLLGRSI[Gln60Glu]ASRKEKMQPP

ClinVar aggregate classification (germline): Uncertain significance (1 of 4 stars; one submission).

Allele frequency attached by ClinVar (database versions not stated): gnomAD 0.00003.
gnomAD v4.1: 12 of 1,613,122 alleles (0.00074%); highest among the groups gnomAD compares: African/African-American, 0.015%; no homozygotes.

Submission:

Labcorp Genetics (formerly Invitae), Labcorp
Classification: Uncertain significance. Last evaluated: 2024-12-16. Review status: criteria provided, single submitter. Criteria: Invitae Variant Classification Sherloc (09022015). Collection method: clinical testing. Allele origin: germline.
Comment: This sequence change replaces glutamine, which is neutral and polar, with glutamic acid, which is acidic and polar, at codon 60 of the SLC51B protein (p.Gln60Glu). This variant is present in population databases (rs372394370, gnomAD 0.03%). This variant has not been reported in the literature in individuals affected with SLC51B-related conditions. ClinVar contains an entry for this variant (Variation ID: 2884797). An algorithm developed to predict the effect of missense changes on protein structure and function (PolyPhen-2) suggests that this variant is likely to be tolerated. In summary, the available evidence is currently insufficient to determine the role of this variant in disease. Therefore, it has been classified as a Variant of Uncertain Significance.